The following is an entry in ClinVar:

ClinVar aggregate classification (germline): Benign. Review status: criteria provided, multiple submitters, no conflicts (2 of 4 stars). 3 submissions from 3 submitters: Benign (3). Last evaluated 2026-02-02.

Conditions:
Congenital absence of salivary gland (ALSG). Also called: Aplasia of lacrimal and salivary glands; Salivary glands, absence of. Identifiers: Orphanet 86815, MedGen C0158667, MONDO:0008397, OMIM 180920.

Allele frequency attached by ClinVar (database versions not stated): ESP Exome Variant Server 0.16239; gnomAD 0.17544 and 0.17756; 1000 Genomes Project 30x 0.18114; 1000 Genomes Project 0.18391; TOPMed 0.18549; ExAC 0.21611; gnomAD exomes 0.22599.
gnomAD v4.1: 323,307 of 1,607,544 alleles (20%); highest among the groups gnomAD compares: Admixed American, 41%; 35,525 homozygotes.

Submissions (3):

Labcorp Genetics (formerly Invitae), Labcorp
Classification: Benign. Last evaluated: 2026-02-02. Review status: criteria provided, single submitter. Criteria: Invitae Variant Classification Sherloc (09022015). Collection method: clinical testing. Allele origin: germline.

Illumina Laboratory Services, Illumina
Classification: Benign for Congenital absence of salivary gland. Last evaluated: 2018-01-13. Review status: criteria provided, single submitter. Criteria: ICSL Variant Classification Criteria 13 December 2019. Collection method: clinical testing. Allele origin: germline.
Comment: This variant was observed in the ICSL laboratory as part of a predisposition screen in an ostensibly healthy population. It had not been previously curated by ICSL or reported in the Human Gene Mutation Database (HGMD: prior to June 1st, 2018), and was therefore a candidate for classification through an automated scoring system. Utilizing variant allele frequency, disease prevalence and penetrance estimates, and inheritance mode, an automated score was calculated to assess if this variant is too frequent to cause the disease. Based on the score and internal cut-off values, a variant classified as benign is not then subjected to further curation. The score for this variant resulted in a classification of benign for this disease.

Breakthrough Genomics
Classification: Benign. Review status: criteria provided, single submitter. Criteria: ACMG Guidelines, 2015. Collection method: not provided. Allele origin: germline. Inheritance: Autosomal dominant inheritance. Affected: yes.

NM_004465.2(FGF10):c.430-15G>C

Gene: FGF10 (fibroblast growth factor 10; minus strand). Cytogenetic location: 5p12.
Variant type: single nucleotide variant.
Coding change: c.430-15G>C on transcript NM_004465.2 (MANE Select); 15 bases into the intron before coding-DNA position 430, G replaced by C.
Molecular consequence: intron variant.
Genome position (GRCh38, 1-based): chr5:44,305,207, C>G on the plus strand (G>C on the coding strand, the complement: FGF10 is on the minus strand). VCF-style: chr5-44305207-C-G. GRCh37 (hg19) VCF-style: chr5-44305309-C-G.
Identifiers: ClinVar variation 353723 (VCV000353723.15), dbSNP rs2290070, ClinGen allele CA3258492.